The following is an entry in ClinVar:

ClinVar aggregate classification (germline): Likely pathogenic (1 of 4 stars; one submission).

Conditions:
Multiple congenital anomalies-hypotonia-seizures syndrome 1 (MCAHS1). Also called: PIGN-CDG; Congenital disorder of glycosylation due to PIGN deficiency; GLYCOSYLPHOSPHATIDYLINOSITOL BIOSYNTHESIS DEFECT 3. Identifiers: Orphanet 280633, MedGen C3279775, MONDO:0013563, OMIM 614080.

Submission:

Labcorp Genetics (formerly Invitae), Labcorp
Classification: Likely pathogenic for Multiple congenital anomalies-hypotonia-seizures syndrome 1. Last evaluated: 2024-03-19. Review status: criteria provided, single submitter. Criteria: Invitae Variant Classification Sherloc (09022015). Collection method: clinical testing. Allele origin: germline.
Comment: This sequence change affects a donor splice site in intron 13 of the PIGN gene. It is expected to disrupt RNA splicing. Variants that disrupt the donor or acceptor splice site typically lead to a loss of protein function (PMID: 16199547), and loss-of-function variants in PIGN are known to be pathogenic (PMID: 24253414, 27038415). This variant is not present in population databases (gnomAD no frequency). This variant has not been reported in the literature in individuals affected with PIGN-related conditions. Algorithms developed to predict the effect of sequence changes on RNA splicing suggest that this variant may disrupt the consensus splice site. In summary, the currently available evidence indicates that the variant is pathogenic, but additional data are needed to prove that conclusively. Therefore, this variant has been classified as Likely Pathogenic.

Literature cited by the submitters: PubMed 16199547; PubMed 24253414; PubMed 27038415.

NM_176787.5(PIGN):c.1116+1G>A

Gene: PIGN (phosphatidylinositol glycan anchor biosynthesis class N; minus strand). Cytogenetic location: 18q21.33.
Variant type: single nucleotide variant.
Coding change: c.1116+1G>A on transcript NM_176787.5 (MANE Select); the canonical splice donor site of the intron after coding-DNA position 1116, G replaced by A.
Molecular consequence: splice donor variant.
Genome position (GRCh38, 1-based): chr18:62,138,982, C>T on the plus strand (G>A on the coding strand, the complement: PIGN is on the minus strand). VCF-style: chr18-62138982-C-T. GRCh37 (hg19) VCF-style: chr18-59806215-C-T.
Other names: c.1116+1G>A (NM_012327.6).
Identifiers: ClinVar variation 3646711 (VCV003646711.2).